The following is an entry in ClinVar:

NM_001387430.1(SH2B1):c.2074C>T (p.Leu692=)

Gene: SH2B1 (SH2B adaptor protein 1; plus strand). Cytogenetic location: 16p11.2.
Variant type: single nucleotide variant.
Coding change: c.2074C>T on transcript NM_001387430.1 (MANE Select); coding-DNA position 2074, C replaced by T.
Protein change: p.Leu692=; no amino-acid change (leucine 692 retained).
Molecular consequence: synonymous variant. On other transcripts: 3 prime UTR variant (5).
Genome position (GRCh38, 1-based): chr16:28,873,623, C>T. VCF-style: chr16-28873623-C-T. GRCh37 (hg19) VCF-style: chr16-28884944-C-T.
Other names: c.2074C>T, p.Leu692= (NM_001145795.2, NM_001308293.2, NM_001387404.1); c.*158C>T (NM_001145796.2, NM_001145812.2, NM_001308294.2 and 1 more transcripts); c.*175C>T (NM_001145797.2).
Identifiers: ClinVar variation 4986298 (VCV004986298.1).
Genomic context (GRCh38, chr16:28,873,623, plus strand): 5'-GCAGCAGCCAAAGAGAGGCAAGAGAAAGAGAAAGCGGGCGGTGGAGGGGTCCCGGAAGAG[C>T]TGGTCCCCGTGGTTGAGCTGGTCCCCGTGGTTGAATTGGAAGAGGCCATAGCCCCAGGCT-3'
Protein context (NP_001374359.1, residues 682-702): KAGGGGVPEE[Leu692=]VPVVELVPVV

ClinVar aggregate classification (germline): Likely benign (1 of 4 stars; one submission).

Conditions:
SH2B1-related disorder. Also called: SH2B1-related condition.

Submission:

PreventionGenetics, part of Exact Sciences
Classification: Likely benign for SH2B1-related condition. Last evaluated: 2026-05-23. Review status: criteria provided, single submitter. Criteria: ACMG Guidelines, 2015. Collection method: clinical testing. Allele origin: germline.
Comment: This variant is classified as likely benign based on ACMG/AMP sequence variant interpretation guidelines (Richards et al. 2015 PMID: 25741868, with internal and published modifications).